The following is an entry in ClinVar:

ClinVar aggregate classification (germline): Uncertain significance (1 of 4 stars; one submission).

Conditions:
T-cell immunodeficiency, congenital alopecia, and nail dystrophy. Also called: Congenital alopecia and nail dystrophy associated with severe functional T-cell immunodeficiency; Pignata Guarino syndrome. Identifiers: Orphanet 169095, MedGen C1866426, MONDO:0011132, OMIM 601705.

Submission:

Labcorp Genetics (formerly Invitae), Labcorp
Classification: Uncertain significance for T-cell immunodeficiency, congenital alopecia, and nail dystrophy. Last evaluated: 2025-07-07. Review status: criteria provided, single submitter. Criteria: Invitae Variant Classification Sherloc (09022015). Collection method: clinical testing. Allele origin: germline.
Comment: This sequence change replaces tryptophan, which is neutral and slightly polar, with arginine, which is basic and polar, at codon 315 of the FOXN1 protein (p.Trp315Arg). This variant is not present in population databases (gnomAD no frequency). This variant has not been reported in the literature in individuals affected with FOXN1-related conditions. ClinVar contains an entry for this variant (Variation ID: 1004794). Invitae Evidence Modeling of protein sequence and biophysical properties (such as structural, functional, and spatial information, amino acid conservation, physicochemical variation, residue mobility, and thermodynamic stability) has been performed for this missense variant. However, the output from this modeling did not meet the statistical confidence thresholds required to predict the impact of this variant on FOXN1 protein function. In summary, the available evidence is currently insufficient to determine the role of this variant in disease. Therefore, it has been classified as a Variant of Uncertain Significance.

NM_001369369.1(FOXN1):c.943T>C (p.Trp315Arg)

Gene: FOXN1 (forkhead box N1; plus strand). Cytogenetic location: 17q11.2.
Variant type: single nucleotide variant.
Coding change: c.943T>C on transcript NM_001369369.1 (MANE Select); coding-DNA position 943, T replaced by C.
Protein change: p.Trp315Arg; replaces tryptophan 315 with arginine.
Molecular consequence: missense variant.
Genome position (GRCh38, 1-based): chr17:28,534,346, T>C. VCF-style: chr17-28534346-T-C. GRCh37 (hg19) VCF-style: chr17-26861364-T-C.
Other names: c.943T>C, p.Trp315Arg (NM_003593.3); short protein forms W315R.
Identifiers: ClinVar variation 1004794 (VCV001004794.5), dbSNP rs2069994755, ClinGen allele CA398324447.
Genomic context (GRCh38, chr17:28,534,346, plus strand): 5'-CTTCCTGAGCCTGGCCTGAATGCTTGTCTTGCTCTGTTCCGGCAGACAGCACCCGATGGC[T>C]GGAAGAATTCTGTCCGGCACAACCTATCCCTCAACAAGTGCTTCGAGAAGGTGGAGAACA-3'
Protein context (NP_001356298.1, residues 305-325): FPYFKTAPDG[Trp315Arg]KNSVRHNLSL